The following is an entry in ClinVar:

NM_001365999.1(SZT2):c.2930-5C>T

Gene: SZT2 (SZT2 subunit of KICSTOR complex; plus strand). Cytogenetic location: 1p34.2.
Variant type: single nucleotide variant.
Coding change: c.2930-5C>T on transcript NM_001365999.1 (MANE Select); 5 bases into the intron before coding-DNA position 2930, C replaced by T.
Molecular consequence: intron variant.
Genome position (GRCh38, 1-based): chr1:43,426,033, C>T. VCF-style: chr1-43426033-C-T. GRCh37 (hg19) VCF-style: chr1-43891704-C-T.
Other names: c.2930-5C>T (NM_015284.4).
Identifiers: ClinVar variation 589095 (VCV000589095.15), dbSNP rs548527248, ClinGen allele CA808864.

ClinVar aggregate classification (germline): Conflicting classifications of pathogenicity. Review status: criteria provided, conflicting classifications (1 of 4 stars). 2 submissions from 2 submitters: Uncertain significance (1); Likely benign (1). Last evaluated 2025-10-02.

Conditions:
Inborn genetic diseases. Identifiers: MedGen C0950123, MeSH D030342.

Allele frequency attached by ClinVar (database versions not stated): TOPMed below 0.00001; gnomAD 0.00003; gnomAD exomes 0.00004; ExAC 0.00005; 1000 Genomes Project 30x 0.00031; 1000 Genomes Project 0.00040.

Submissions (2):

Labcorp Genetics (formerly Invitae), Labcorp
Classification: Likely benign. Last evaluated: 2025-10-02. Review status: criteria provided, single submitter. Criteria: Invitae Variant Classification Sherloc (09022015). Collection method: clinical testing. Allele origin: germline.

Ambry Genetics
Classification: Uncertain significance for Inborn genetic diseases. Last evaluated: 2024-05-20. Review status: criteria provided, single submitter. Criteria: Ambry Variant Classification Scheme 2023. Collection method: clinical testing. Allele origin: germline.
Comment: The c.2930-5C>T intronic alteration consists of a C to T substitution 5 nucleotides before coding exon 21 in the SZT2 gene. Based on insufficient or conflicting evidence, the clinical significance of this alteration remains unclear.